The following is an entry in ClinVar:

NM_000179.3(MSH6):c.1345del (p.Leu449fs)

Gene: MSH6 (mutS homolog 6; plus strand). Cytogenetic location: 2p16.3.
Variant type: Deletion.
Coding change: c.1345del on transcript NM_000179.3 (MANE Select); coding-DNA position 1345, one base deleted (C; older notation c.1345delC).
Protein change: p.Leu449fs; shifts the reading frame from leucine 449.
Molecular consequence: frameshift variant.
Genome position (GRCh38, 1-based): chr2:47,799,328, C deleted. VCF-style (leftmost placement, unchanged base first): chr2-47799327-GC-G. GRCh37 (hg19) VCF-style: chr2-48026466-GC-G.
Other names: c.439delC, p.Leu147Trpfs (NM_001406829.1, NM_001406811.1, NM_001406812.1 and 4 more transcripts); c.1048delC, p.Leu350Trpfs (NM_001406830.1, NM_001406797.1, NM_001406801.1 and 10 more transcripts); c.955del, p.Leu319fs (NM_001281492.2); c.439del, p.Leu147fs (NM_001281493.2, NM_001281494.2); c.1441delC, p.Leu481Trpfs (NM_001406795.1, NM_001406802.1); c.1345delC, p.Leu449Trpfs (NM_001406796.1, NM_001406798.1, NM_001406800.1 and 4 more transcripts); c.820delC, p.Leu274Trpfs (NM_001406799.1, NM_001406806.1, NM_001406807.1); c.1267delC, p.Leu423Trpfs (NM_001406804.1); and 2 more; short protein forms L147fs, L319fs, L449fs.
Identifiers: ClinVar variation 1770462 (VCV001770462.2), dbSNP rs2530604127, ClinGen allele CA2580067572.

ClinVar aggregate classification (germline): Pathogenic (1 of 4 stars; one submission).

Conditions:
Hereditary cancer-predisposing syndrome. Also called: Hereditary Cancer Syndrome; Hereditary neoplastic syndrome; Neoplastic Syndromes, Hereditary; Tumor predisposition. Identifiers: Orphanet 140162, MedGen C0027672, MeSH D009386, MONDO:0015356.

Submission:

Ambry Genetics
Classification: Pathogenic for Hereditary cancer-predisposing syndrome. Last evaluated: 2018-05-17. Review status: criteria provided, single submitter. Criteria: Ambry Variant Classification Scheme 2023. Collection method: clinical testing. Allele origin: germline.
Comment: The c.1345delC pathogenic mutation, located in coding exon 4 of the MSH6 gene, results from a deletion of one nucleotide at nucleotide position 1345, causing a translational frameshift with a predicted alternate stop codon (p.L449Wfs*4). This alteration is expected to result in loss of function by premature protein truncation or nonsense-mediated mRNA decay. As such, this alteration is interpreted as a disease-causing mutation.